The following is an entry in ClinVar:

NM_001853.4(COL9A3):c.*2dup (p.Ter685=)

Gene: COL9A3 (collagen type IX alpha 3 chain; plus strand). Cytogenetic location: 20q13.33.
Variant type: Duplication.
Coding change: c.*2dup on transcript NM_001853.4 (MANE Select); 2 bases downstream of the stop codon, one base duplicated (A; older notation c.*2dupA).
Protein change: p.Ter685=.
Molecular consequence: no sequence alteration.
Genome position (GRCh38, 1-based): chr20:62,840,734, A duplicated; the last of 4 consecutive A bases (chr20:62,840,731-62,840,734); duplicating any one gives the same sequence. VCF-style (leftmost placement, unchanged base first): chr20-62840730-T-TA. GRCh37 (hg19) VCF-style: chr20-61472082-T-TA.
Other names: c.*2dupA (NM_001853.3).
Identifiers: ClinVar variation 1430776 (VCV001430776.7), dbSNP rs1226684126, ClinGen allele CA636612311.

ClinVar aggregate classification (germline): Uncertain significance. Review status: criteria provided, single submitter (1 of 4 stars). 2 submissions from 2 submitters: Uncertain significance (1). 1 of the submissions does not count toward it. Last evaluated 2025-12-01.

Conditions:
COL9A3-related disorder. Also called: COL9A3-related condition.

Submissions (2):

Labcorp Genetics (formerly Invitae), Labcorp
Classification: Uncertain significance. Last evaluated: 2025-12-01. Review status: criteria provided, single submitter. Criteria: Invitae Variant Classification Sherloc (09022015). Collection method: clinical testing. Allele origin: germline.
Comment: This variant occurs in a non-coding region of the COL9A3 gene. It does not change the encoded amino acid sequence of the COL9A3 protein. This variant is present in population databases (no rsID available, gnomAD 0.01%). This variant has not been reported in the literature in individuals affected with COL9A3-related conditions. ClinVar contains an entry for this variant (Variation ID: 1430776). In summary, the available evidence is currently insufficient to determine the role of this variant in disease. Therefore, it has been classified as a Variant of Uncertain Significance.

PreventionGenetics, part of Exact Sciences
Classification: Likely benign for COL9A3-related condition. Last evaluated: 2024-08-11. Review status: no assertion criteria provided. Collection method: clinical testing. Allele origin: germline. Not counted in ClinVar's aggregate classification.
Comment: This variant is classified as likely benign based on ACMG/AMP sequence variant interpretation guidelines (Richards et al. 2015 PMID: 25741868, with internal and published modifications).